The following is an entry in ClinVar:

NM_152617.4(RNF168):c.510del (p.Glu170fs)

Gene: RNF168 (ring finger protein 168; minus strand). Cytogenetic location: 3q29.
Variant type: Deletion.
Coding change: c.510del on transcript NM_152617.4 (MANE Select); coding-DNA position 510, one base deleted (A; older notation c.510delA).
Protein change: p.Glu170fs; shifts the reading frame from glutamic acid 170.
Molecular consequence: frameshift variant.
Genome position (GRCh38, 1-based): chr3:196,487,447, T deleted on the plus strand (A on the coding strand, the reverse complement: RNF168 is on the minus strand); the first of 2 consecutive T bases (chr3:196,487,447-196,487,448); deleting either gives the same sequence. VCF-style (leftmost placement, unchanged base first): chr3-196487446-GT-G. GRCh37 (hg19) VCF-style: chr3-196214317-GT-G.
Other names: short protein forms E170fs.
Identifiers: ClinVar variation 2010096 (VCV002010096.4), dbSNP rs2473960030, ClinGen allele CA2578001834.

ClinVar aggregate classification (germline): Pathogenic (1 of 4 stars; one submission).

Submission:

Labcorp Genetics (formerly Invitae), Labcorp
Classification: Pathogenic. Last evaluated: 2023-12-11. Review status: criteria provided, single submitter. Criteria: Invitae Variant Classification Sherloc (09022015). Collection method: clinical testing. Allele origin: germline.
Comment: This sequence change creates a premature translational stop signal (p.Glu170Aspfs*3) in the RNF168 gene. It is expected to result in an absent or disrupted protein product. Loss-of-function variants in RNF168 are known to be pathogenic (PMID: 19203578, 21394101). This variant is not present in population databases (gnomAD no frequency). This variant has not been reported in the literature in individuals affected with RNF168-related conditions. ClinVar contains an entry for this variant (Variation ID: 2010096). For these reasons, this variant has been classified as Pathogenic.

Literature cited by the submitters: PubMed 19203578; PubMed 21394101.